The following is an entry in ClinVar:

ClinVar aggregate classification (germline): Uncertain significance. Review status: criteria provided, multiple submitters, no conflicts (2 of 4 stars). 2 submissions from 2 submitters: Uncertain significance (2). Last evaluated 2026-08-02.

Conditions:
Hereditary cancer-predisposing syndrome. Also called: Tumor predisposition; Hereditary Cancer Syndrome; Hereditary neoplastic syndrome; Neoplastic Syndromes, Hereditary. Identifiers: Orphanet 140162, MedGen C0027672, MeSH D009386, MONDO:0015356.

Submissions (2):

Ambry Genetics
Classification: Uncertain significance for Hereditary cancer-predisposing syndrome. Last evaluated: 2026-08-02. Review status: criteria provided, single submitter. Criteria: Ambry Variant Classification Scheme 2023. Collection method: clinical testing. Allele origin: germline.
Comment: The p.G277D variant (also known as c.830G>A), located in coding exon 7 of the APC gene, results from a G to A substitution at nucleotide position 830. The glycine at codon 277 is replaced by aspartic acid, an amino acid with similar properties. This amino acid position is conserved. In addition, in silico predictors for this gene do not accurately predict pathogenicity. Based on the available evidence, the clinical significance of this variant remains unclear.

Institute for Biomarker Research, Medical Diagnostic Laboratories, L.L.C.
Classification: Uncertain significance for Hereditary cancer-predisposing syndrome. Last evaluated: 2024-06-04. Review status: criteria provided, single submitter. Criteria: ACMG Guidelines, 2015. Collection method: clinical testing. Allele origin: germline.

NM_000038.6(APC):c.830G>A (p.Gly277Asp)

Gene: APC (APC regulator of Wnt signaling pathway; plus strand). Cytogenetic location: 5q22.2.
Variant type: single nucleotide variant.
Coding change: c.830G>A on transcript NM_000038.6 (MANE Select); coding-DNA position 830, G replaced by A.
Protein change: p.Gly277Asp; replaces glycine 277 with aspartic acid.
Molecular consequence: missense variant. On other transcripts: 5 prime UTR variant (4), non-coding transcript variant (2).
Genome position (GRCh38, 1-based): chr5:112,801,379, G>A. VCF-style: chr5-112801379-G-A. GRCh37 (hg19) VCF-style: chr5-112137076-G-A.
Other names: c.830G>A (NM_000038.5); c.830G>A, p.Gly277Asp (NM_001127510.3, NM_001354895.2, NM_001354896.2 and 12 more transcripts); c.776G>A, p.Gly259Asp (NM_001127511.3); c.860G>A, p.Gly287Asp (NM_001354897.2, NM_001354902.2, NM_001407446.1); c.755G>A, p.Gly252Asp (NM_001354898.2, NM_001354904.2, NM_001407451.1); c.746G>A, p.Gly249Asp (NM_001354899.2, NM_001407452.1, NM_001407467.1 and 1 more transcripts); c.653G>A, p.Gly218Asp (NM_001354900.2, NM_001354901.2, NM_001354905.2 and 1 more transcripts); c.-206G>A (NM_001354906.2, NM_001407470.1, NM_001407471.1 and 1 more transcripts); short protein forms G218D, G249D, G252D, G259D, G277D, G287D.
Identifiers: ClinVar variation 3340077 (VCV003340077.2).
Genomic context (GRCh38, chr5:112,801,379, plus strand): 5'-CTGAGCGGCAGAATGAAGGTCAAGGAGTGGGAGAAATCAACATGGCAACTTCTGGTAATG[G>A]TCAGGTAAATAAATTATTTTATCATATTTTTTAAAATTATTTAAATATCAGAAAAGTATG-3'
Protein context (NP_000029.2, residues 267-287): GEINMATSGN[Gly277Asp]QGSTTRMDHE